The following is an entry in ClinVar:

NM_000245.4(MET):c.3963C>T (p.His1321=)

Gene: MET (MET proto-oncogene, receptor tyrosine kinase; plus strand). Cytogenetic location: 7q31.2.
Variant type: single nucleotide variant.
Coding change: c.3963C>T on transcript NM_000245.4 (MANE Select); coding-DNA position 3963, C replaced by T.
Protein change: p.His1321=; no amino-acid change (histidine 1321 retained).
Molecular consequence: synonymous variant.
Genome position (GRCh38, 1-based): chr7:116,795,914, C>T. VCF-style: chr7-116795914-C-T. GRCh37 (hg19) VCF-style: chr7-116435968-C-T.
Other names: c.4017C>T, p.His1339= (NM_001127500.3); c.2673C>T, p.His891= (NM_001324402.2).
Identifiers: ClinVar variation 2796949 (VCV002796949.6), dbSNP rs767267441, ClinGen allele CA4448809.

ClinVar aggregate classification (germline): Benign/Likely benign. Review status: criteria provided, multiple submitters, no conflicts (2 of 4 stars). 4 submissions from 4 submitters: Benign (1); Likely benign (3). Last evaluated 2025-12-29.

Conditions:
Papillary renal cell carcinoma type 1 (RCCP1). Also called: Renal adenocarcinoma; Renal cell carcinoma 1; Renal cell carcinoma, somatic; RENAL CELL CARCINOMA, PAPILLARY, 1, SOMATIC. Identifiers: Orphanet 47044, MedGen C1336839, OMIM 605074, HP:0011797.
Renal cell carcinoma. Identifiers: Orphanet 217071, MedGen C0007134, MeSH D002292, MONDO:0005086, HP:0005584.
Hereditary cancer-predisposing syndrome. Also called: Hereditary Cancer Syndrome; Neoplastic Syndromes, Hereditary; Tumor predisposition; Hereditary neoplastic syndrome. Identifiers: Orphanet 140162, MedGen C0027672, MeSH D009386, MONDO:0015356.

Allele frequency attached by ClinVar (database versions not stated): ExAC 0.00002.
gnomAD v4.1: 1 of 1,614,186 alleles (0.000062%); highest among the groups gnomAD compares: Admixed American, 0.0017%; no homozygotes.

Submissions (4):

Center for Genomic Medicine, Rigshospitalet, Copenhagen University Hospital
Classification: Likely benign. Last evaluated: 2025-12-29. Review status: criteria provided, single submitter. Criteria: ACMG Guidelines, 2015. Collection method: clinical testing. Allele origin: germline.

Labcorp Genetics (formerly Invitae), Labcorp
Classification: Likely benign for Renal cell carcinoma. Last evaluated: 2025-03-12. Review status: criteria provided, single submitter. Criteria: Invitae Variant Classification Sherloc (09022015). Collection method: clinical testing. Allele origin: germline.

Myriad Genetics, Inc.
Classification: Benign for Papillary renal cell carcinoma type 1. Last evaluated: 2024-11-14. Review status: criteria provided, single submitter. Criteria: Myriad Autosomal Dominant, Autosomal Recessive and X-Linked Classification Criteria (2023). Collection method: clinical testing. Allele origin: unknown.
Comment: This variant is considered benign. This variant is a silent/synonymous amino acid change and it is not expected to impact splicing.

Ambry Genetics
Classification: Likely benign for Hereditary cancer-predisposing syndrome. Last evaluated: 2023-10-13. Review status: criteria provided, single submitter. Criteria: Ambry Variant Classification Scheme 2023. Collection method: clinical testing. Allele origin: germline.